The following is an entry in ClinVar:

NM_001040142.2(SCN2A):c.1969G>A (p.Val657Ile)

Gene: SCN2A (sodium voltage-gated channel alpha subunit 2; plus strand). Cytogenetic location: 2q24.3.
Variant type: single nucleotide variant.
Coding change: c.1969G>A on transcript NM_001040142.2 (MANE Select); coding-DNA position 1969, G replaced by A.
Protein change: p.Val657Ile; replaces valine 657 with isoleucine.
Molecular consequence: missense variant.
Genome position (GRCh38, 1-based): chr2:165,323,453, G>A. VCF-style: chr2-165323453-G-A. GRCh37 (hg19) VCF-style: chr2-166179963-G-A.
Other names: c.1969G>A (NM_021007.2); c.1969G>A, p.Val657Ile (NM_001040143.2, NM_001371246.1, NM_001371247.1 and 1 more transcripts); short protein forms V657I.
Identifiers: ClinVar variation 1481640 (VCV001481640.7), dbSNP rs770573856, ClinGen allele CA1939893.

ClinVar aggregate classification (germline): Uncertain significance. Review status: criteria provided, multiple submitters, no conflicts (2 of 4 stars). 2 submissions from 2 submitters: Uncertain significance (2). Last evaluated 2025-06-11.

Conditions:
Seizures, benign familial infantile, 3 (BFIS3). Also called: Familial neonatal seizures; CONVULSIONS, BENIGN FAMILIAL INFANTILE, 3. Identifiers: Orphanet 140927, Orphanet 306, MedGen C1843140, MONDO:0011904, OMIM 607745.
Developmental and epileptic encephalopathy, 11 (DEE11). Also called: Early infantile epileptic encephalopathy 11. Identifiers: Orphanet 1934, MedGen C3150987, MONDO:0013388, OMIM 613721.

Allele frequency attached by ClinVar (database versions not stated): ExAC 0.00001; gnomAD 0.00001; gnomAD exomes 0.00001; TOPMed 0.00001.

Submissions (2):

GeneDx
Classification: Uncertain significance. Last evaluated: 2025-06-11. Review status: criteria provided, single submitter. Criteria: GeneDx Variant Classification Process June 2021. Collection method: clinical testing. Allele origin: germline. Affected: yes.
Comment: Inherited variant in a patient with autism in published literature (PMID: 30564305); Not observed at significant frequency in large population cohorts (gnomAD); This substitution is predicted to be in the cytoplasmic loop between the first and second homologous domains; In silico analysis suggests that this missense variant does not alter protein structure/function; This variant is associated with the following publications: (PMID: 30564305)

Labcorp Genetics (formerly Invitae), Labcorp
Classification: Uncertain significance for Seizures, benign familial infantile, 3; Developmental and epileptic encephalopathy, 11. Last evaluated: 2023-05-24. Review status: criteria provided, single submitter. Criteria: Invitae Variant Classification Sherloc (09022015). Collection method: clinical testing. Allele origin: germline.
Comment: In summary, the available evidence is currently insufficient to determine the role of this variant in disease. Therefore, it has been classified as a Variant of Uncertain Significance. Advanced modeling of protein sequence and biophysical properties (such as structural, functional, and spatial information, amino acid conservation, physicochemical variation, residue mobility, and thermodynamic stability) performed at Invitae indicates that this missense variant is not expected to disrupt SCN2A protein function. ClinVar contains an entry for this variant (Variation ID: 1481640). This missense change has been observed in individual(s) with SCN2A-related disorders (PMID: 30564305; Invitae). This variant is present in population databases (rs770573856, gnomAD 0.002%). This sequence change replaces valine, which is neutral and non-polar, with isoleucine, which is neutral and non-polar, at codon 657 of the SCN2A protein (p.Val657Ile).

Literature cited by the submitters: PubMed 30564305 (cited by Labcorp Genetics (formerly Invitae), Labcorp).